The following is an entry in ClinVar:

NM_001033855.3(DCLRE1C):c.160A>G (p.Ser54Gly)

Gene: DCLRE1C (DNA cross-link repair 1C; minus strand). Cytogenetic location: 10p13.
Variant type: single nucleotide variant.
Coding change: c.160A>G on transcript NM_001033855.3 (MANE Select); coding-DNA position 160, A replaced by G.
Protein change: p.Ser54Gly; replaces serine 54 with glycine.
Molecular consequence: missense variant. On other transcripts: 5 prime UTR variant (7), non-coding transcript variant (4), intron variant (2).
Genome position (GRCh38, 1-based): chr10:14,949,037, T>C on the plus strand (A>G on the coding strand, the complement: DCLRE1C is on the minus strand). VCF-style: chr10-14949037-T-C. GRCh37 (hg19) VCF-style: chr10-14991036-T-C.
Other names: c.-286A>G (NM_001033857.3, NM_001350967.2); c.-608A>G (NM_001033858.3); c.-45A>G (NM_001289076.2); c.-332A>G (NM_001289077.2); c.-654A>G (NM_001289079.2); c.160A>G, p.Ser54Gly (NM_001350965.2); c.-130A>G (NM_022487.4); c.-128-3848A>G (NM_001350966.2, NM_001289078.2); short protein forms S54G.
Identifiers: ClinVar variation 4708400 (VCV004708400.1).
Genomic context (GRCh38, chr10:14,949,037, plus strand): 5'-CAGTTGTTATCTCTCAATTAAAATGTTTGCTTAAAAACACAAGTAGCAAAATAAATTACC[T>C]GCACTCCAACCTTCTTTTCAAGGTAGGGGCTCTTAATCCTTTCATGTGATCTAAAAACAA-3'
Protein context (NP_001029027.1, residues 44-64): APTLKRRLEC[Ser54Gly]LKVYLYCSPV

ClinVar aggregate classification (germline): Uncertain significance (1 of 4 stars; one submission).

Conditions:
Severe combined immunodeficiency due to DCLRE1C deficiency (RS-SCID). Also called: SCID, AUTOSOMAL RECESSIVE, T CELL-NEGATIVE, B CELL-NEGATIVE, NK CELL-POSITIVE, WITH SENSITIVITY TO IONIZING RADIATION. Identifiers: Orphanet 275, MedGen C1865371, MONDO:0011225, OMIM 602450.

gnomAD v4.1: 3 of 1,608,004 alleles (0.00019%); highest among the groups gnomAD compares: Non-Finnish European, 0.00017%; no homozygotes.

Submission:

Labcorp Genetics (formerly Invitae), Labcorp
Classification: Uncertain significance for Athabaskan severe combined immunodeficiency. Last evaluated: 2025-07-10. Review status: criteria provided, single submitter. Criteria: Invitae Variant Classification Sherloc (09022015). Collection method: clinical testing. Allele origin: germline.
Comment: This sequence change replaces serine, which is neutral and polar, with glycine, which is neutral and non-polar, at codon 54 of the DCLRE1C protein (p.Ser54Gly). This variant is present in population databases (rs747508395, gnomAD 0.002%). This variant has not been reported in the literature in individuals affected with DCLRE1C-related conditions. An algorithm developed to predict the effect of missense changes on protein structure and function (PolyPhen-2) suggests that this variant is likely to be disruptive. Algorithms developed to predict the effect of sequence changes on RNA splicing suggest that this variant may disrupt the consensus splice site. In summary, the available evidence is currently insufficient to determine the role of this variant in disease. Therefore, it has been classified as a Variant of Uncertain Significance.